The following is an entry in ClinVar:

ClinVar aggregate classification (germline): Uncertain significance (1 of 4 stars; one submission).

Conditions:
Cardiovascular phenotype. Identifiers: MedGen CN230736.

Allele frequency attached by ClinVar (database versions not stated): gnomAD exomes below 0.00001.
gnomAD v4.1: 2 of 1,571,550 alleles (0.00013%); highest among the groups gnomAD compares: Non-Finnish European, 0.00018%; no homozygotes.

Submission:

Ambry Genetics
Classification: Uncertain significance for Cardiovascular phenotype. Last evaluated: 2023-06-17. Review status: criteria provided, single submitter. Criteria: Ambry Variant Classification Scheme 2023. Collection method: clinical testing. Allele origin: germline.
Comment: The p.K476R variant (also known as c.1427A>G), located in coding exon 16 of the CACNA2D1 gene, results from an A to G substitution at nucleotide position 1427. The lysine at codon 476 is replaced by arginine, an amino acid with highly similar properties. This amino acid position is conserved. In addition, this alteration is predicted to be tolerated by in silico analysis. Since supporting evidence is limited at this time, the clinical significance of this alteration remains unclear.

NM_000722.4(CACNA2D1):c.1427A>G (p.Lys476Arg)

Gene: CACNA2D1 (calcium voltage-gated channel auxiliary subunit alpha2delta 1; minus strand). Cytogenetic location: 7q21.11.
Variant type: single nucleotide variant.
Coding change: c.1427A>G on transcript NM_000722.4 (MANE Select); coding-DNA position 1427, A replaced by G.
Protein change: p.Lys476Arg; replaces lysine 476 with arginine.
Molecular consequence: missense variant.
Genome position (GRCh38, 1-based): chr7:82,007,692, T>C on the plus strand (A>G on the coding strand, the complement: CACNA2D1 is on the minus strand). VCF-style: chr7-82007692-T-C. GRCh37 (hg19) VCF-style: chr7-81637008-T-C.
Other names: c.1427A>G, p.Lys476Arg (NM_001366867.1); short protein forms K476R.
Identifiers: ClinVar variation 2585867 (VCV002585867.2), dbSNP rs2485142481, ClinGen allele CA367877552.
Genomic context (GRCh38, chr7:82,007,692, plus strand): 5'-CACAGTTTGTCATTTATTATTATTAATTTTATCAATTAACTTTTAACCTTTAAGTTTGTC[T>C]TATTTTCAAATTGGCCGGTTATGTTGAAGACCGGAAGAGTTCCAGTAATGACAAGTCCCA-3'
Protein context (NP_000713.2, residues 466-486): VFNITGQFEN[Lys476Arg]TNLKNQLILG